The following is an entry in ClinVar:

ClinVar aggregate classification (germline): Uncertain significance. Review status: reviewed by expert panel (3 of 4 stars). 9 submissions from 9 submitters: Uncertain significance (1). 8 of the submissions do not count toward it. Last evaluated 2025-04-22.

Conditions:
Very long chain acyl-CoA dehydrogenase deficiency (ACADVLD). Also called: Very Long-Chain Acyl-Coenzyme A Dehydrogenase Deficiency; VLCAD Deficiency. Identifiers: Orphanet 26793, MedGen C3887523, MONDO:0008723, OMIM 201475.

Allele frequency attached by ClinVar (database versions not stated): gnomAD exomes below 0.00001.
gnomAD v4.1: 1 of 1,614,080 alleles (0.000062%); highest among the groups gnomAD compares: Admixed American, 0.0017%; no homozygotes.

Submissions (9):

ClinGen ACADVL Variant Curation Expert Panel, ClinGen
Classification: Uncertain significance for Very long chain acyl-CoA dehydrogenase deficiency. Last evaluated: 2025-04-22. Review status: reviewed by expert panel. Criteria: clingen acadvl acmg specifications v1. Collection method: curation. Allele origin: germline. Inheritance: Autosomal recessive inheritance.
Comment: The c.1878G>A p.(Trp626Ter) variant in ACADVL is a nonsense variant that may cause loss of function of the protein, however it is predicted to escape nonsense mediated decay and remove <10% of the protein (PVS1_Moderate; PMIDs 9973285, 11590124). This variant has been reported in the literature in individuals undergoing newborn screening (PMIDs: 32778825, 26385305), however, the phenotype or if a second ACADVL variant was detected in trans in these individuals was not reported. The highest population minor allele frequency in gnomAD v2.1.1 is 0.00002891 in Admixed American population, which is lower than the ClinGen ACADVL Variant Curation Expert Panel threshold (<0.001) for PM2_Supporting, meeting this criterion (PM2_Supporting). In summary, this variant meets the criteria to be classified as variant of uncertain significance for autosomal recessive very long chain acyl-CoA dehydrogenase (VLCAD) deficiency based on the ACMG/AMP criteria applied, as specified by the ClinGen ACADVL Variant Curation Expert Panel: PVS1_Moderate, PM2_supporting (ACADVL VCEP specifications version 1; approved November 9, 2021).

Women's Health and Genetics/Laboratory Corporation of America, LabCorp
Classification: Likely pathogenic for Very long chain acyl-CoA dehydrogenase deficiency. Last evaluated: 2024-08-06. Review status: criteria provided, single submitter. Criteria: LabCorp Variant Classification Summary - May 2015. Collection method: clinical testing. Allele origin: germline. Not counted in ClinVar's aggregate classification.
Comment: Variant summary: ACADVL c.1878G>A (p.Trp626X) results in a premature termination codon, predicted to cause a truncation of the encoded protein. While this variant is not expected to result in nonsense mediated decay, it is predicted to disrupt the last 30 amino acids of the protein. The variant was absent in 251306 control chromosomes (gnomAD). c.1878G>A has been reported in the literature in individuals undergoing newborn screening (e.g., Miller_2015, Adhikari_2020), however, the phenotype or if a second ACADVL variant was detected in trans in these individuals was not reported. These reports therefore do not provide unequivocal conclusions about association of the variant with Very Long Chain Acyl-CoA Dehydrogenase Deficiency. To our knowledge, no experimental evidence demonstrating an impact on protein function has been reported. The following publications have been ascertained in the context of this evaluation (PMID: 32778825, 26385305). ClinVar contains an entry for this variant (Variation ID: 541724). Additionally, downstream variants have been reported in association with Very long chain acyl-CoA dehydrogenase deficiency in HGMD and have been classified as pathogenic/likely pathogenic by our laboratory and others in ClinVar. Based on the evidence outlined above, the variant was classified as likely pathogenic.

Labcorp Genetics (formerly Invitae), Labcorp
Classification: Pathogenic for Very long chain acyl-CoA dehydrogenase deficiency. Last evaluated: 2024-07-22. Review status: criteria provided, single submitter. Criteria: Invitae Variant Classification Sherloc (09022015). Collection method: clinical testing. Allele origin: germline. Not counted in ClinVar's aggregate classification.
Comment: This sequence change creates a premature translational stop signal (p.Trp626*) in the ACADVL gene. While this is not anticipated to result in nonsense mediated decay, it is expected to disrupt the last 30 amino acid(s) of the ACADVL protein. This variant is not present in population databases (gnomAD no frequency). This premature translational stop signal has been observed in individual(s) with a positive newborn screening result for ACADVL-related disease (PMID: 26385305, 32778825). ClinVar contains an entry for this variant (Variation ID: 541724). This variant disrupts a region of the ACADVL protein in which other variant(s) (p.Val642Met) have been determined to be pathogenic (PMID: 31031081). This suggests that this is a clinically significant region of the protein, and that variants that disrupt it are likely to be disease-causing. For these reasons, this variant has been classified as Pathogenic.

Fulgent Genetics
Classification: Likely pathogenic for Very long chain acyl-CoA dehydrogenase deficiency. Last evaluated: 2024-05-15. Review status: criteria provided, single submitter. Criteria: ACMG Guidelines, 2015. Collection method: clinical testing. Allele origin: germline. Not counted in ClinVar's aggregate classification.

Natera, Inc.
Classification: Likely pathogenic for Very long chain acyl-CoA dehydrogenase deficiency. Last evaluated: 2024-05-14. Review status: criteria provided, single submitter. Criteria: Natera Variant Classification Schema (03/2026). Collection method: clinical testing. Allele origin: germline. Not counted in ClinVar's aggregate classification.
Comment: The c.1878G>A variant in ACADVL is a nonsense variant predicted to introduce a stop codon at amino acid 626. This variant is expected to result in nonsense mediated decay, truncation, or a dysfunctional protein product. This variant is rare in the general population with a frequency below the threshold expected for the associated phenotype(s). Given the available evidence, this variant is classified as Likely Pathogenic.

Baylor Genetics
Classification: Likely pathogenic for Very long chain acyl-CoA dehydrogenase deficiency. Last evaluated: 2024-03-26. Review status: criteria provided, single submitter. Criteria: ACMG Guidelines, 2015. Collection method: clinical testing. Allele origin: unknown. Not counted in ClinVar's aggregate classification.

GeneDx
Classification: Likely pathogenic. Last evaluated: 2022-04-07. Review status: criteria provided, single submitter. Criteria: GeneDx Variant Classification Process June 2021. Collection method: clinical testing. Allele origin: germline. Affected: yes. Not counted in ClinVar's aggregate classification.
Comment: Identified in an individual with a positive newborn screen for VLCAD deficiency (Miller et al., 2015); Nonsense variant in the C-terminus predicted to result in protein truncation, as the last 30 amino acids are lost, and other loss-of-function variants have been reported downstream in HGMD; Not observed at significant frequency in large population cohorts (gnomAD); This variant is associated with the following publications: (PMID: 26385305, 32778825)

Wong Mito Lab, Molecular and Human Genetics, Baylor College of Medicine
Classification: Pathogenic for Very long chain acyl-CoA dehydrogenase deficiency. Last evaluated: 2019-11-01. Review status: criteria provided, single submitter. Criteria: ACMG Guidelines, 2015. Collection method: clinical testing. Allele origin: germline. Not counted in ClinVar's aggregate classification.
Comment: The NM_000018.3:c.1878G>A (NP_000009.1:p.Trp626Ter) [GRCH38: NC_000017.11:g.7225007G>A] variant in ACADVL gene is interpretated to be Pathogenic based on ACMG guidelines (PMID: 25741868). This variant has been reported in PMID: 26385305. This variant meets the following evidence codes reported in the ACMG guidelines: PVS1, PS3

ARUP Laboratories, Molecular Genetics and Genomics, ARUP Laboratories
Classification: Uncertain significance for Very long chain acyl-CoA dehydrogenase deficiency. Last evaluated: 2019-08-09. Review status: criteria provided, single submitter. Criteria: ARUP Molecular Germline Variant Investigation Process. Collection method: clinical testing. Allele origin: germline. Not counted in ClinVar's aggregate classification.
Comment: The ACADVL c.1878G>A; p.Trp626Ter variant is reported in the medical literature in at least one individual sent for newborn screening of very-long-chain acyl-CoA dehydrogenase deficiency (Miller 2015). This variant is reported in ClinVar (Variation ID: 541724), but is absent from general population databases (Exome Variant Server, Genome Aggregation Database), indicating it is not a common polymorphism. This variant causes a premature termination codon and truncates the terminal 30 amino acids. These amino acids are unique amongst acyl-CoA dehydrogenases, but have no reported critical function (Goetzman 2007, McAndrew 2008). Due to limited information, the clinical significance of the p.Trp626Ter variant is uncertain at this time. References: Goetzman ES et al. Expression and characterization of mutations in human very long-chain acyl-CoA dehydrogenase using a prokaryotic system. Mol Genet Metab. 2007 Jun;91(2):138-47. McAndrew RP et al. Structural basis for substrate fatty acyl chain specificity: crystal structure of human very-long-chain acyl-CoA dehydrogenase. J Biol Chem. 2008 Apr 4;283(14):9435-43. Miller MJ et al. Recurrent ACADVL molecular findings in individuals with a positive newborn screen for very long chain acyl-coA dehydrogenase (VLCAD) deficiency in the United States. Mol Genet Metab. 2015 Nov;116(3):139-45.

Literature cited by the submitters: PubMed 26385305 (cited by 3 submitters); PubMed 32778825 (cited by Women's Health and Genetics/Laboratory Corporation of America, LabCorp and Labcorp Genetics (formerly Invitae), Labcorp); PubMed 31031081 (cited by Labcorp Genetics (formerly Invitae), Labcorp).

NM_000018.4(ACADVL):c.1878G>A (p.Trp626Ter)

Gene: ACADVL (acyl-CoA dehydrogenase very long chain; plus strand). Cytogenetic location: 17p13.1.
Variant type: single nucleotide variant.
Coding change: c.1878G>A on transcript NM_000018.4 (MANE Select); coding-DNA position 1878, G replaced by A.
Protein change: p.Trp626Ter; replaces tryptophan 626 with a stop codon.
Molecular consequence: nonsense.
Genome position (GRCh38, 1-based): chr17:7,225,007, G>A. VCF-style: chr17-7225007-G-A. GRCh37 (hg19) VCF-style: chr17-7128326-G-A.
Other names: NM_000018.4(ACADVL):c.1878G>A; p.Trp626Ter; c.1812G>A, p.Trp604Ter (NM_001033859.3); c.1947G>A, p.Trp649Ter (NM_001270447.2); c.1650G>A, p.Trp550Ter (NM_001270448.2); short protein forms W626*, W550*, W649*, W604*.
Identifiers: ClinVar variation 541724 (VCV000541724.26), dbSNP rs1555529186, ClinGen allele CA397726083.
Genomic context (GRCh38, chr17:7,225,007, plus strand): 5'-CTCTCCCCAGGCTGCAGCTCGGATCCGAGAGGGCATGGCCGCCCTGCAGTCTGACCCCTG[G>A]CAGCAAGAGCTCTACCGCAACTTCAAAAGCATCTCCAAGGCCTTGGTGGAGCGGGGTGGT-3'